The following is an entry in ClinVar:

ClinVar aggregate classification (germline): Conflicting classifications of pathogenicity. Review status: criteria provided, conflicting classifications (1 of 4 stars). 2 submissions from 2 submitters: Uncertain significance (1); Likely benign (1). Last evaluated 2015-01-27.

Conditions:
Maturity-onset diabetes of the young (MODY). Also called: Maturity onset diabetes mellitus in young. Identifiers: Orphanet 552, MedGen C0342276, MONDO:0018911, HP:0004904.

Allele frequency attached by ClinVar (database versions not stated): gnomAD 0.00001.
gnomAD v4.1: 2 of 1,614,026 alleles (0.00012%); highest among the groups gnomAD compares: African/African-American, 0.0027%; no homozygotes.

Submissions (2):

Eurofins Ntd Llc (ga)
Classification: Uncertain significance. Last evaluated: 2015-01-27. Review status: criteria provided, single submitter. Criteria: EGL Classification Definitions 2015. Collection method: clinical testing. Allele origin: germline. Observed: 1 variant allele, 1 heterozygote.

Clinical Genomics, Uppaluri K&H Personalized Medicine Clinic
Classification: Likely benign for Maturity-onset diabetes of the young. Review status: criteria provided, single submitter. Criteria: K & H Uppaluri Personalized Medicine Clinic Variant Classification & Assertion Criteria_Updated V.1. Collection method: research. Allele origin: unknown. Inheritance: Autosomal dominant inheritance.
Comment: HNF1B gene mutations are associated with early onset diabetes and pancreatic atrophy. It is also associated with multiple renal manifestations including renal cysts, Tubulointerstitial disease, glomerulocystic disease, renal hypoplasia, hypomagnesemia. However no sufficient evidence is found to ascertain the role of this particular variant rs794727624, yet.

Literature cited by the submitters: PubMed 24897035 (cited by Clinical Genomics, Uppaluri K&H Personalized Medicine Clinic); PubMed 25536396 (cited by Clinical Genomics, Uppaluri K&H Personalized Medicine Clinic); PubMed 27615128 (cited by Clinical Genomics, Uppaluri K&H Personalized Medicine Clinic); PubMed 28215227 (cited by Clinical Genomics, Uppaluri K&H Personalized Medicine Clinic); PubMed 33434175 (cited by Clinical Genomics, Uppaluri K&H Personalized Medicine Clinic); PubMed 25741167 (cited by Clinical Genomics, Uppaluri K&H Personalized Medicine Clinic); PubMed 26340261 (cited by Clinical Genomics, Uppaluri K&H Personalized Medicine Clinic); PubMed 19639018 (cited by Clinical Genomics, Uppaluri K&H Personalized Medicine Clinic).

NM_000458.4(HNF1B):c.974G>A (p.Ser325Asn)

Gene: HNF1B (HNF1 homeobox B; minus strand). Cytogenetic location: 17q12.
Variant type: single nucleotide variant.
Coding change: c.974G>A on transcript NM_000458.4 (MANE Select); coding-DNA position 974, G replaced by A.
Protein change: p.Ser325Asn; replaces serine 325 with asparagine.
Molecular consequence: missense variant.
Genome position (GRCh38, 1-based): chr17:37,731,666, C>T on the plus strand (G>A on the coding strand, the complement: HNF1B is on the minus strand). VCF-style: chr17-37731666-C-T. GRCh37 (hg19) VCF-style: chr17-36091657-C-T.
Other names: c.896G>A, p.Ser299Asn (NM_001165923.4, NM_001304286.2); short protein forms S325N, S299N.
Identifiers: ClinVar variation 197146 (VCV000197146.6), dbSNP rs794727624, ClinGen allele CA245115.